The following is an entry in ClinVar:

NM_001041.4(SI):c.4396C>A (p.Pro1466Thr)

Gene: SI (sucrase-isomaltase; minus strand). Cytogenetic location: 3q26.1.
Variant type: single nucleotide variant.
Coding change: c.4396C>A on transcript NM_001041.4 (MANE Select); coding-DNA position 4396, C replaced by A.
Protein change: p.Pro1466Thr; replaces proline 1466 with threonine.
Molecular consequence: missense variant.
Genome position (GRCh38, 1-based): chr3:165,006,826, G>T on the plus strand (C>A on the coding strand, the complement: SI is on the minus strand). VCF-style: chr3-165006826-G-T. GRCh37 (hg19) VCF-style: chr3-164724614-G-T.
Other names: short protein forms P1466T.
Identifiers: ClinVar variation 1437081 (VCV001437081.7), dbSNP rs796683088, ClinGen allele CA86500550.

ClinVar aggregate classification (germline): Uncertain significance. Review status: criteria provided, multiple submitters, no conflicts (2 of 4 stars). 3 submissions from 3 submitters: Uncertain significance (3). Last evaluated 2025-01-13.

Conditions:
Sucrase-isomaltase deficiency (CSID). Also called: Deficiency of isomaltase; SI DEFICIENCY; Congenital sucrose isomaltose malabsorption; Sucrose isomaltose enzyme deficiency. Identifiers: Orphanet 35122, MedGen C1283620, MONDO:0009114, OMIM 222900.

Allele frequency attached by ClinVar (database versions not stated): gnomAD 0.00001; gnomAD exomes 0.00001; TOPMed 0.00004.
gnomAD v4.1: 14 of 1,612,366 alleles (0.00087%); highest among the groups gnomAD compares: Admixed American, 0.005%; no homozygotes.

Submissions (3):

Labcorp Genetics (formerly Invitae), Labcorp
Classification: Uncertain significance. Last evaluated: 2025-01-13. Review status: criteria provided, single submitter. Criteria: Invitae Variant Classification Sherloc (09022015). Collection method: clinical testing. Allele origin: germline.
Comment: This sequence change replaces proline, which is neutral and non-polar, with threonine, which is neutral and polar, at codon 1466 of the SI protein (p.Pro1466Thr). This variant is present in population databases (rs796683088, gnomAD 0.003%). This variant has not been reported in the literature in individuals affected with SI-related conditions. ClinVar contains an entry for this variant (Variation ID: 1437081). Invitae Evidence Modeling of protein sequence and biophysical properties (such as structural, functional, and spatial information, amino acid conservation, physicochemical variation, residue mobility, and thermodynamic stability) has been performed for this missense variant. However, the output from this modeling did not meet the statistical confidence thresholds required to predict the impact of this variant on SI protein function. In summary, the available evidence is currently insufficient to determine the role of this variant in disease. Therefore, it has been classified as a Variant of Uncertain Significance.

Blueprint Genetics
Classification: Uncertain significance. Last evaluated: 2024-08-27. Review status: criteria provided, single submitter. Criteria: ACMG Guidelines, 2015. Collection method: clinical testing. Allele origin: germline.

Fulgent Genetics
Classification: Uncertain significance for Sucrase-isomaltase deficiency. Last evaluated: 2021-09-27. Review status: criteria provided, single submitter. Criteria: ACMG Guidelines, 2015. Collection method: clinical testing. Allele origin: unknown.